The following is an entry in ClinVar:

NM_000760.4(CSF3R):c.214G>A (p.Gly72Arg)

Gene: CSF3R (colony stimulating factor 3 receptor; minus strand). Cytogenetic location: 1p34.3.
Variant type: single nucleotide variant.
Coding change: c.214G>A on transcript NM_000760.4 (MANE Select); coding-DNA position 214, G replaced by A.
Protein change: p.Gly72Arg; replaces glycine 72 with arginine.
Molecular consequence: missense variant.
Genome position (GRCh38, 1-based): chr1:36,475,524, C>T on the plus strand (G>A on the coding strand, the complement: CSF3R is on the minus strand). VCF-style: chr1-36475524-C-T. GRCh37 (hg19) VCF-style: chr1-36941125-C-T.
Other names: c.214G>A, p.Gly72Arg (NM_156039.3, NM_172313.3); short protein forms G72R.
Identifiers: ClinVar variation 850392 (VCV000850392.8), dbSNP rs375879178, ClinGen allele CA769538.
Genomic context (GRCh38, chr1:36,475,524, plus strand): 5'-GGTGGGGCAGGGTGATGATAGATTCCTGGGTCCCATCAGACAGACGCTGCTGCCTGCCCC[C>T]GGGCTGAAGCTCTGCTCCCAGTCTCCACAGAATCTGTGGCTCCGGGTCCAGATGGCTGCA-3'
Protein context (NP_000751.1, residues 62-82): LWRLGAELQP[Gly72Arg]GRQQRLSDGT

ClinVar aggregate classification (germline): Uncertain significance (1 of 4 stars; one submission).

Conditions:
Autosomal recessive severe congenital neutropenia due to CSF3R deficiency. Also called: Neutropenia, severe congenital, 7, autosomal recessive. Identifiers: Orphanet 420702, MedGen C4310764, MONDO:0014865, OMIM 617014.

Allele frequency attached by ClinVar (database versions not stated): ExAC 0.00002; TOPMed 0.00005; ESP Exome Variant Server 0.00015.
gnomAD v4.1: 37 of 1,613,874 alleles (0.0023%); highest among the groups gnomAD compares: Middle Eastern, 0.066%; no homozygotes.

Submission:

Labcorp Genetics (formerly Invitae), Labcorp
Classification: Uncertain significance for Autosomal recessive severe congenital neutropenia due to CSF3R deficiency. Last evaluated: 2024-01-08. Review status: criteria provided, single submitter. Criteria: Invitae Variant Classification Sherloc (09022015). Collection method: clinical testing. Allele origin: germline.
Comment: This sequence change replaces glycine, which is neutral and non-polar, with arginine, which is basic and polar, at codon 72 of the CSF3R protein (p.Gly72Arg). This variant is present in population databases (rs375879178, gnomAD 0.002%). This variant has not been reported in the literature in individuals affected with CSF3R-related conditions. ClinVar contains an entry for this variant (Variation ID: 850392). Advanced modeling of protein sequence and biophysical properties (such as structural, functional, and spatial information, amino acid conservation, physicochemical variation, residue mobility, and thermodynamic stability) performed at Invitae indicates that this missense variant is not expected to disrupt CSF3R protein function with a negative predictive value of 80%. In summary, the available evidence is currently insufficient to determine the role of this variant in disease. Therefore, it has been classified as a Variant of Uncertain Significance.